The following is an entry in ClinVar:

NM_000252.3(MTM1):c.1611C>A (p.Tyr537Ter)

Gene: MTM1 (myotubularin 1; plus strand). Cytogenetic location: Xq28.
Variant type: single nucleotide variant.
Coding change: c.1611C>A on transcript NM_000252.3 (MANE Select); coding-DNA position 1611, C replaced by A.
Protein change: p.Tyr537Ter; replaces tyrosine 537 with a stop codon.
Molecular consequence: nonsense.
Genome position (GRCh38, 1-based): chrX:150,663,576, C>A. VCF-style: chrX-150663576-C-A. GRCh37 (hg19) VCF-style: chrX-149832049-C-A.
Other names: c.1611C>A, p.Tyr537Ter (NM_001376906.1, NM_001376908.1); c.1500C>A, p.Tyr500Ter (NM_001376907.1); short protein forms Y537*, Y500*.
Identifiers: ClinVar variation 280453 (VCV000280453.2), dbSNP rs886041657, ClinGen allele CA10603411.

ClinVar aggregate classification (germline): Pathogenic (1 of 4 stars; one submission).

Submission:

GeneDx
Classification: Pathogenic. Last evaluated: 2016-03-23. Review status: criteria provided, single submitter. Criteria: GeneDx Variant Classification (06012015). Collection method: clinical testing. Allele origin: germline. Affected: yes.
Comment: The Y537X nonsense variant in the MTM1 gene is predicted to cause loss of normal protein function either through protein truncation or nonsense-mediated mRNA decay, as the last 67 amino acid residues of the protein are lost. The Y537X variant was not observed in approximately 6,500 individuals of European and African American ancestry in the NHLBI Exome Sequencing Project, indicating it is not a common benign variant in these populations. Although this pathogenic variant has not been reported previously to our knowledge, a different nucleotide change at this position (c.1611 C>G), also resulting a Y537X nonsense variant, has been previously reported in an individual with myotubular myopathy (Biancalana et al., 2003). Therefore, we interpret Y537X as a pathogenic variant.